The following is an entry in ClinVar:

ClinVar aggregate classification (germline): Likely benign. Review status: criteria provided, multiple submitters, no conflicts (2 of 4 stars). 4 submissions from 4 submitters: Likely benign (3). 1 of the submissions does not count toward it. Last evaluated 2026-09-01.

Conditions:
ANO5-related disorder. Also called: ANO5-related disorders; ANO5-related condition. Identifiers: MedGen CN239193.
Autosomal recessive limb-girdle muscular dystrophy type 2L (LGMDR12). Also called: Limb-girdle muscular dystrophy, type 2L; Limb-Girdle Muscular Dystrophy R12 Anoctamin-5-Related (LGMD-R12); MUSCULAR DYSTROPHY, LIMB-GIRDLE, AUTOSOMAL RECESSIVE 12. Identifiers: Orphanet 206549, MedGen C1969785, MONDO:0012652, OMIM 611307.
Gnathodiaphyseal dysplasia (GDD). Also called: OSTEOGENESIS IMPERFECTA WITH UNUSUAL SKELETAL LESIONS; GNATHODIAPHYSEAL SCLEROSIS. Identifiers: Orphanet 53697, MedGen C1833736, MONDO:0008151, OMIM 166260.

Allele frequency attached by ClinVar (database versions not stated): ExAC 0.00001; gnomAD 0.00004 and 0.00005; TOPMed 0.00006; gnomAD exomes 0.00008.
gnomAD v4.1: 122 of 1,613,974 alleles (0.0076%); highest among the groups gnomAD compares: Admixed American, 0.012%; no homozygotes.

Submissions (4):

CeGaT Center for Human Genetics Tuebingen
Classification: Likely benign. Last evaluated: 2026-09-01. Review status: criteria provided, single submitter. Criteria: CeGaT Center For Human Genetics Tuebingen Variant Classification Criteria Version 2. Collection method: clinical testing. Allele origin: germline. Affected: yes. Observed: 1 variant allele.
Comment: ANO5: BP4, BP7

Labcorp Genetics (formerly Invitae), Labcorp
Classification: Likely benign for Autosomal recessive limb-girdle muscular dystrophy type 2L; Gnathodiaphyseal dysplasia. Last evaluated: 2026-01-02. Review status: criteria provided, single submitter. Criteria: Invitae Variant Classification Sherloc (09022015). Collection method: clinical testing. Allele origin: germline.

Blueprint Genetics
Classification: Likely benign. Last evaluated: 2024-05-09. Review status: criteria provided, single submitter. Criteria: ACMG Guidelines, 2015. Collection method: clinical testing. Allele origin: germline.

PreventionGenetics, part of Exact Sciences
Classification: Likely benign for ANO5-related condition. Last evaluated: 2020-11-11. Review status: no assertion criteria provided. Collection method: clinical testing. Allele origin: germline. Not counted in ClinVar's aggregate classification.
Comment: This variant is classified as likely benign based on ACMG/AMP sequence variant interpretation guidelines (Richards et al. 2015 PMID: 25741868, with internal and published modifications).

NM_213599.3(ANO5):c.1482C>T (p.Phe494=)

Gene: ANO5 (anoctamin 5; plus strand). Cytogenetic location: 11p14.3.
Variant type: single nucleotide variant.
Coding change: c.1482C>T on transcript NM_213599.3 (MANE Select); coding-DNA position 1482, C replaced by T.
Protein change: p.Phe494=; no amino-acid change (phenylalanine 494 retained).
Molecular consequence: synonymous variant.
Genome position (GRCh38, 1-based): chr11:22,259,593, C>T. VCF-style: chr11-22259593-C-T. GRCh37 (hg19) VCF-style: chr11-22281139-C-T.
Other names: c.1479C>T, p.Phe493= (NM_001142649.2); c.1482C>T (NM_213599.2).
Identifiers: ClinVar variation 1147546 (VCV001147546.13), dbSNP rs745446244, ClinGen allele CA5923268.